The following is an entry in ClinVar:

ClinVar aggregate classification (germline): Uncertain significance. Review status: criteria provided, multiple submitters, no conflicts (2 of 4 stars). 5 submissions from 5 submitters: Uncertain significance (4). 1 of the submissions does not count toward it. Last evaluated 2026-02-17.

Conditions:
Inborn genetic diseases. Identifiers: MedGen C0950123, MeSH D030342.
Usher syndrome type 1F (USH1F). Also called: USHER SYNDROME, TYPE IF. Identifiers: Orphanet 231169, Orphanet 886, MedGen C1865885, MONDO:0011186, OMIM 602083.

Allele frequency attached by ClinVar (database versions not stated): gnomAD exomes 0.00002; TOPMed 0.00002; ExAC 0.00002.
gnomAD v4.1: 104 of 1,569,420 alleles (0.0066%); highest among the groups gnomAD compares: Non-Finnish European, 0.0084%; no homozygotes.

Submissions (5):

GeneDx
Classification: Uncertain significance. Last evaluated: 2026-02-17. Review status: criteria provided, single submitter. Criteria: GeneDx Variant Classification Process June 2021. Collection method: clinical testing. Allele origin: germline.
Comment: Not observed at significant frequency in large population cohorts (gnomAD); In silico analysis supports that this missense variant has a deleterious effect on protein structure/function; Has not been previously published as pathogenic or benign to our knowledge

Blueprint Genetics
Classification: Uncertain significance. Last evaluated: 2023-06-09. Review status: criteria provided, single submitter. Criteria: ACMG Guidelines, 2015. Collection method: clinical testing. Allele origin: germline.

Ambry Genetics
Classification: Uncertain significance for Inborn genetic diseases. Last evaluated: 2022-11-21. Review status: criteria provided, single submitter. Criteria: Ambry Variant Classification Scheme 2023. Collection method: clinical testing. Allele origin: germline.

Laboratory for Molecular Medicine, Mass General Brigham Personalized Medicine
Classification: Uncertain significance. Last evaluated: 2011-12-21. Review status: criteria provided, single submitter. Criteria: LMM Criteria. Collection method: clinical testing. Allele origin: germline. Observed: 1 variant allele.
Comment: The Thr203Ala variant in PCDH15 has not been reported in the literature nor prev iously identified by our laboratory. Computational analyses (biochemical amino a cid properties, homology, PolyPhen2, SIFT, AlignGVGD) do not provide strong supp ort for or against pathogenicity. In summary, the clinical significance of this variant cannot be determined with certainty at this time.

Natera, Inc.
Classification: Uncertain significance for Usher syndrome type 1F. Last evaluated: 2019-11-11. Review status: no assertion criteria provided. Collection method: clinical testing. Allele origin: germline. Not counted in ClinVar's aggregate classification.

NM_001384140.1(PCDH15):c.607A>G (p.Thr203Ala)

Gene: PCDH15 (protocadherin related 15; minus strand). Cytogenetic location: 10q21.1.
Variant type: single nucleotide variant.
Coding change: c.607A>G on transcript NM_001384140.1 (MANE Select); coding-DNA position 607, A replaced by G.
Protein change: p.Thr203Ala; replaces threonine 203 with alanine.
Molecular consequence: missense variant. On other transcripts: intron variant (1).
Genome position (GRCh38, 1-based): chr10:54,329,694, T>C on the plus strand (A>G on the coding strand, the complement: PCDH15 is on the minus strand). VCF-style: chr10-54329694-T-C. GRCh37 (hg19) VCF-style: chr10-56089454-T-C.
Other names: c.622A>G, p.Thr208Ala (NM_001142763.2, NM_001142769.4, NM_001142771.2); c.607A>G, p.Thr203Ala (NM_001142764.2, NM_001142765.2, NM_001142766.2 and 7 more transcripts); c.541A>G, p.Thr181Ala (NM_001142768.2, NM_001142773.2, NM_001354404.2); c.595-12253A>G (NM_001142767.2); short protein forms T203A, T208A, T181A.
Identifiers: ClinVar variation 46510 (VCV000046510.10), dbSNP rs200975767, ClinGen allele CA138493.
Genomic context (GRCh38, chr10:54,329,694, plus strand): 5'-CATAGTTGAGCCTCTTCCTTAACACTATATTTCCAGTCAACATTAGGGGAATTTCAAAGG[T>C]GTCATTGGATGTCTGCAAATATTAAAGATACAGACTTCAGATTATTTGAATGTAAGATGA-3'
Protein context (NP_001371069.1, residues 193-213): YNPDDPTSND[Thr203Ala]FEIPLMLTGN